The following is an entry in ClinVar:

NM_015662.3(IFT172):c.952C>T (p.Arg318Ter)

Gene: IFT172 (intraflagellar transport 172; minus strand). Cytogenetic location: 2p23.3.
Variant type: single nucleotide variant.
Coding change: c.952C>T on transcript NM_015662.3 (MANE Select); coding-DNA position 952, C replaced by T.
Protein change: p.Arg318Ter; replaces arginine 318 with a stop codon.
Molecular consequence: nonsense.
Genome position (GRCh38, 1-based): chr2:27,479,562, G>A on the plus strand (C>T on the coding strand, the complement: IFT172 is on the minus strand). VCF-style: chr2-27479562-G-A. GRCh37 (hg19) VCF-style: chr2-27702429-G-A.
Other names: c.952C>T, p.Arg318Ter (NM_001410739.1); short protein forms R318*.
Identifiers: ClinVar variation 1932760 (VCV001932760.8), dbSNP rs751177541, ClinGen allele CA1580817.

ClinVar aggregate classification (germline): Pathogenic/Likely pathogenic. Review status: criteria provided, multiple submitters, no conflicts (2 of 4 stars). 3 submissions from 3 submitters: Pathogenic (1); Likely pathogenic (2). Last evaluated 2024-08-31.

Conditions:
Short-rib thoracic dysplasia 10 with or without polydactyly (SRTD10). Identifiers: Orphanet 474, MedGen C3810175, MONDO:0014284, OMIM 615630.
Retinitis pigmentosa 71 (RP71). Identifiers: Orphanet 791, MedGen C4225342, MONDO:0014618, OMIM 616394.
Bardet-Biedl syndrome 20. Identifiers: MedGen C4310707, MONDO:0023670, OMIM 619471, MONDO:0014926.
IFT172-related disorder. Also called: IFT172-related disorders; IFT172-related condition.

Allele frequency attached by ClinVar (database versions not stated): ExAC 0.00002.
gnomAD v4.1: 15 of 1,613,432 alleles (0.00093%); highest among the groups gnomAD compares: East Asian, 0.0045%; no homozygotes.

Submissions (3):

Labcorp Genetics (formerly Invitae), Labcorp
Classification: Pathogenic for Retinitis pigmentosa 71; Short-rib thoracic dysplasia 10 with or without polydactyly. Last evaluated: 2024-08-31. Review status: criteria provided, single submitter. Criteria: Invitae Variant Classification Sherloc (09022015). Collection method: clinical testing. Allele origin: germline.
Comment: This sequence change creates a premature translational stop signal (p.Arg318*) in the IFT172 gene. It is expected to result in an absent or disrupted protein product. Loss-of-function variants in IFT172 are known to be pathogenic (PMID: 24140113). This variant is present in population databases (rs751177541, gnomAD 0.006%). This variant has not been reported in the literature in individuals affected with IFT172-related conditions. ClinVar contains an entry for this variant (Variation ID: 1932760). For these reasons, this variant has been classified as Pathogenic.

Blueprint Genetics
Classification: Likely pathogenic for IFT172-related disorders. Last evaluated: 2020-09-07. Review status: criteria provided, single submitter. Criteria: ACMG Guidelines, 2015. Collection method: clinical testing. Allele origin: germline. Affected: yes. Observed: 2 variant alleles.

Juno Genomics, Hangzhou Juno Genomics, Inc
Classification: Likely pathogenic for Bardet-Biedl syndrome 20; Retinitis pigmentosa 71; Short-rib thoracic dysplasia 10 with or without polydactyly. Review status: criteria provided, single submitter. Criteria: ACMG Guidelines, 2015. Collection method: clinical testing. Allele origin: germline.
Comment: Null variant in a gene where loss of function (LOF) is a known mechanism of disease.;Absent from controls (or at extremely low frequency if recessive) in Genome Aggregation Database.

Literature cited by the submitters: PubMed 24140113 (cited by Labcorp Genetics (formerly Invitae), Labcorp).